The following is an entry in ClinVar:

ClinVar aggregate classification (germline): Uncertain significance (1 of 4 stars; one submission).

Conditions:
Osteogenesis imperfecta type 8 (OI8). Identifiers: MedGen C1970458, MONDO:0012581, OMIM 610915.

Allele frequency attached by ClinVar (database versions not stated): gnomAD exomes below 0.00001.
gnomAD v4.1: 1 of 1,614,174 alleles (0.000062%); highest among the groups gnomAD compares: Non-Finnish European, 0.000085%; no homozygotes.

Submission:

Labcorp Genetics (formerly Invitae), Labcorp
Classification: Uncertain significance for Osteogenesis imperfecta type 8. Last evaluated: 2022-06-08. Review status: criteria provided, single submitter. Criteria: Invitae Variant Classification Sherloc (09022015). Collection method: clinical testing. Allele origin: germline.
Comment: This variant has not been reported in the literature in individuals affected with P3H1-related conditions. In summary, the available evidence is currently insufficient to determine the role of this variant in disease. Therefore, it has been classified as a Variant of Uncertain Significance. Algorithms developed to predict the effect of missense changes on protein structure and function (SIFT, PolyPhen-2, Align-GVGD) all suggest that this variant is likely to be tolerated. This variant is not present in population databases (gnomAD no frequency). This sequence change replaces asparagine, which is neutral and polar, with aspartic acid, which is acidic and polar, at codon 261 of the P3H1 protein (p.Asn261Asp).

NM_022356.4(P3H1):c.781A>G (p.Asn261Asp)

Gene: P3H1 (prolyl 3-hydroxylase 1; minus strand). Cytogenetic location: 1p34.2.
Variant type: single nucleotide variant.
Coding change: c.781A>G on transcript NM_022356.4 (MANE Select); coding-DNA position 781, A replaced by G.
Protein change: p.Asn261Asp; replaces asparagine 261 with aspartic acid.
Molecular consequence: missense variant.
Genome position (GRCh38, 1-based): chr1:42,759,228, T>C on the plus strand (A>G on the coding strand, the complement: P3H1 is on the minus strand). VCF-style: chr1-42759228-T-C. GRCh37 (hg19) VCF-style: chr1-43224899-T-C.
Other names: c.781A>G, p.Asn261Asp (NM_001146289.2, NM_001243246.2); short protein forms N261D.
Identifiers: ClinVar variation 2174184 (VCV002174184.4), dbSNP rs2524471957, ClinGen allele CA339959688.
Genomic context (GRCh38, chr1:42,759,228, plus strand): 5'-CTGGCTGAAGGTCTGGCTCTGAACTGCACGCACCTGTGATGGCCTGGAAGAGGTCAGCGT[T>C]GTACTCAAGGTAGTTGTAGCCATCGTAGTCATAGGGCCCTTCGCAGAGGGCACGGCACTC-3'
Protein context (NP_071751.3, residues 251-271): DYDGYNYLEY[Asn261Asp]ADLFQAITDH